The following is an entry in ClinVar:

NM_024685.4(BBS10):c.275A>C (p.His92Pro)

Gene: BBS10 (Bardet-Biedl syndrome 10; minus strand). Cytogenetic location: 12q21.2.
Variant type: single nucleotide variant.
Coding change: c.275A>C on transcript NM_024685.4 (MANE Select); coding-DNA position 275, A replaced by C.
Protein change: p.His92Pro; replaces histidine 92 with proline.
Molecular consequence: missense variant.
Genome position (GRCh38, 1-based): chr12:76,347,710, T>G on the plus strand (A>C on the coding strand, the complement: BBS10 is on the minus strand). VCF-style: chr12-76347710-T-G. GRCh37 (hg19) VCF-style: chr12-76741490-T-G.
Other names: short protein forms H92P.
Identifiers: ClinVar variation 3345406 (VCV003345406.3).

ClinVar aggregate classification (germline): Uncertain significance. Review status: criteria provided, multiple submitters, no conflicts (2 of 4 stars). 2 submissions from 2 submitters: Uncertain significance (2). Last evaluated 2024-10-13.

Conditions:
BBS10-related disorder. Also called: BBS10-related condition.

Submissions (2):

PreventionGenetics, part of Exact Sciences
Classification: Uncertain significance for BBS10-related condition. Last evaluated: 2024-10-13. Review status: criteria provided, single submitter. Criteria: ACMG Guidelines, 2015. Collection method: clinical testing. Allele origin: germline.
Comment: The BBS10 c.275A>C variant is predicted to result in the amino acid substitution p.His92Pro. To our knowledge, this variant has not been reported in the literature. This variant is reported in 0.0062% of alleles in individuals of African descent in gnomAD. At this time, the clinical significance of this variant is uncertain due to the absence of conclusive functional and genetic evidence.

GeneDx
Classification: Uncertain significance. Last evaluated: 2024-10-12. Review status: criteria provided, single submitter. Criteria: GeneDx Variant Classification Process June 2021. Collection method: clinical testing. Allele origin: germline. Affected: yes.
Comment: Not observed at significant frequency in large population cohorts (gnomAD); In silico analysis indicates that this missense variant does not alter protein structure/function; Has not been previously published as pathogenic or benign to our knowledge